The following is an entry in ClinVar:

NM_000061.3(BTK):c.1082A>G (p.Tyr361Cys)

Gene: BTK (Bruton tyrosine kinase; minus strand). Cytogenetic location: Xq22.1.
Variant type: single nucleotide variant.
Coding change: c.1082A>G on transcript NM_000061.3 (MANE Select); coding-DNA position 1082, A replaced by G.
Protein change: p.Tyr361Cys; replaces tyrosine 361 with cysteine.
Molecular consequence: missense variant. On other transcripts: intron variant (1).
Genome position (GRCh38, 1-based): chrX:101,358,330, T>C on the plus strand (A>G on the coding strand, the complement: BTK is on the minus strand). VCF-style: chrX-101358330-T-C. GRCh37 (hg19) VCF-style: chrX-100613318-T-C.
Other names: c.1184A>G, p.Tyr395Cys (NM_001287344.2); c.1038+44A>G (NM_001287345.2); short protein forms Y361C, Y395C.
Identifiers: ClinVar variation 11346 (VCV000011346.4), dbSNP rs28935478, ClinGen allele CA121429.

ClinVar aggregate classification (germline): Likely pathogenic. Review status: criteria provided, single submitter (1 of 4 stars). 2 submissions from 2 submitters: Likely pathogenic (1). 1 of the submissions does not count toward it. Last evaluated 2025-10-15.

Conditions:
X-linked agammaglobulinemia (XLA). Also called: Agammaglobulinemia, Bruton tyrosine kinase; Agammaglobulinemia, BTK; BTK-deficiency; IMMUNODEFICIENCY 1; Bruton's agammaglobulinemia; AGAMMAGLOBULINEMIA, X-LINKED, TYPE 1. Identifiers: Orphanet 229717, Orphanet 47, MedGen C0221026, MONDO:0010421, OMIM 300755.
X-linked agammaglobulinemia with growth hormone deficiency (IGHD3). Also called: ISOLATED GROWTH HORMONE DEFICIENCY, TYPE III, WITH AGAMMAGLOBULINEMIA; AGAMMAGLOBULINEMIA AND ISOLATED GROWTH HORMONE DEFICIENCY, X-LINKED; FLEISHER SYNDROME; HYPOGAMMAGLOBULINEMIA AND ISOLATED GROWTH HORMONE DEFICIENCY, X-LINKED; IGHD III; Isolated growth hormone deficiency type 3. Identifiers: Orphanet 231692, Orphanet 631, MedGen C0472813, MONDO:0010615, OMIM 307200.

Submissions (2):

Labcorp Genetics (formerly Invitae), Labcorp
Classification: Likely pathogenic for X-linked agammaglobulinemia with growth hormone deficiency. Last evaluated: 2025-10-15. Review status: criteria provided, single submitter. Criteria: Invitae Variant Classification Sherloc (09022015). Collection method: clinical testing. Allele origin: germline.
Comment: This sequence change replaces tyrosine, which is neutral and polar, with cysteine, which is neutral and slightly polar, at codon 361 of the BTK protein (p.Tyr361Cys). This variant is not present in population databases (gnomAD no frequency). This missense change has been observed in individuals with agammaglobulinemia (PMID: 7849697, 8164701). ClinVar contains an entry for this variant (Variation ID: 11346). Invitae Evidence Modeling of protein sequence and biophysical properties (such as structural, functional, and spatial information, amino acid conservation, physicochemical variation, residue mobility, and thermodynamic stability) indicates that this missense variant is expected to disrupt BTK protein function with a positive predictive value of 95%. Experimental studies have shown that this missense change affects BTK function (PMID: 10754312, 11206059). This variant disrupts the p.Tyr261 amino acid residue in BTK. Other variant(s) that disrupt this residue have been observed in individuals with BTK-related conditions (PMID: 15661032), which suggests that this may be a clinically significant amino acid residue. In summary, the currently available evidence indicates that the variant is pathogenic, but additional data are needed to prove that conclusively. Therefore, this variant has been classified as Likely Pathogenic.

OMIM
Classification: Pathogenic for AGAMMAGLOBULINEMIA, X-LINKED. Last evaluated: 1994-10-01. Review status: no assertion criteria provided. Collection method: literature only. Allele origin: germline. Not counted in ClinVar's aggregate classification.

Literature cited by the submitters: PubMed 7849697 (cited by Labcorp Genetics (formerly Invitae), Labcorp and OMIM); PubMed 8164701 (cited by Labcorp Genetics (formerly Invitae), Labcorp and OMIM); PubMed 10754312 (cited by Labcorp Genetics (formerly Invitae), Labcorp); PubMed 11206059 (cited by Labcorp Genetics (formerly Invitae), Labcorp); PubMed 15661032 (cited by Labcorp Genetics (formerly Invitae), Labcorp); PubMed 2896233 (cited by OMIM); PubMed 4697357 (cited by OMIM); PubMed 8164707 (cited by OMIM).